The following is an entry in ClinVar:

ClinVar aggregate classification (germline): Uncertain significance. Review status: criteria provided, multiple submitters, no conflicts (2 of 4 stars). 2 submissions from 2 submitters: Uncertain significance (2). Last evaluated 2022-02-22.

Conditions:
Charcot-Marie-Tooth disease axonal type 2O. Also called: Charcot-Marie-Tooth Neuropathy Type 2O; Charcot-Marie-Tooth disease, axonal, type 20; CHARCOT-MARIE-TOOTH DISEASE, AXONAL, AUTOSOMAL DOMINANT, TYPE 2O; CHARCOT-MARIE-TOOTH NEUROPATHY, AXONAL, TYPE 2O. Identifiers: Orphanet 284232, MedGen C3280220, MONDO:0013644, OMIM 614228.

Allele frequency attached by ClinVar (database versions not stated): gnomAD exomes below 0.00001 and 0.00001; ExAC 0.00001.
gnomAD v4.1: 5 of 1,614,154 alleles (0.00031%); highest among the groups gnomAD compares: Admixed American, 0.0017%; no homozygotes.

Submissions (2):

GeneDx
Classification: Uncertain significance. Last evaluated: 2022-02-22. Review status: criteria provided, single submitter. Criteria: GeneDx Variant Classification Process June 2021. Collection method: clinical testing. Allele origin: germline. Affected: yes.
Comment: In silico analysis supports that this missense variant does not alter protein structure/function; Has not been previously published as pathogenic or benign to our knowledge; This variant is associated with the following publications: (PMID: 26100331, 25609763, 25512093)

Labcorp Genetics (formerly Invitae), Labcorp
Classification: Uncertain significance for Charcot-Marie-Tooth disease axonal type 2O. Last evaluated: 2019-04-25. Review status: criteria provided, single submitter. Criteria: Invitae Variant Classification Sherloc (09022015). Collection method: clinical testing. Allele origin: germline.
Comment: This variant has not been reported in the literature in individuals with DYNC1H1-related conditions. Algorithms developed to predict the effect of missense changes on protein structure and function are either unavailable or do not agree on the potential impact of this missense change (SIFT: "Deleterious"; PolyPhen-2: "Benign"; Align-GVGD: "Class C55"). In summary, the available evidence is currently insufficient to determine the role of this variant in disease. Therefore, it has been classified as a Variant of Uncertain Significance. This variant is present in population databases (rs751754403, ExAC 0.002%). This sequence change replaces alanine with valine at codon 4141 of the DYNC1H1 protein (p.Ala4141Val). The alanine residue is highly conserved and there is a small physicochemical difference between alanine and valine.

NM_001376.5(DYNC1H1):c.12422C>T (p.Ala4141Val)

Gene: DYNC1H1 (dynein cytoplasmic 1 heavy chain 1; plus strand). Cytogenetic location: 14q32.31.
Variant type: single nucleotide variant.
Coding change: c.12422C>T on transcript NM_001376.5 (MANE Select); coding-DNA position 12422, C replaced by T.
Protein change: p.Ala4141Val; replaces alanine 4141 with valine.
Molecular consequence: missense variant.
Genome position (GRCh38, 1-based): chr14:102,042,657, C>T. VCF-style: chr14-102042657-C-T. GRCh37 (hg19) VCF-style: chr14-102508994-C-T.
Other names: short protein forms A4141V.
Identifiers: ClinVar variation 834476 (VCV000834476.11), dbSNP rs751754403, ClinGen allele CA7353930.